The following is an entry in ClinVar:

ClinVar aggregate classification (germline): Likely benign. Review status: criteria provided, single submitter (1 of 4 stars). 2 submissions from 2 submitters: Likely benign (1). 1 of the submissions does not count toward it. Last evaluated 2026-01-11.

Conditions:
PLVAP-related disorder. Also called: PLVAP-related condition.

Allele frequency attached by ClinVar (database versions not stated): ESP Exome Variant Server 0.00008; gnomAD exomes 0.00010; gnomAD 0.00021; TOPMed 0.00025; 1000 Genomes Project 30x 0.00031; ExAC 0.00037; 1000 Genomes Project 0.00040.

Submissions (2):

Labcorp Genetics (formerly Invitae), Labcorp
Classification: Likely benign. Last evaluated: 2026-01-11. Review status: criteria provided, single submitter. Criteria: Invitae Variant Classification Sherloc (09022015). Collection method: clinical testing. Allele origin: germline.

PreventionGenetics, part of Exact Sciences
Classification: Likely benign for PLVAP-related condition. Last evaluated: 2022-04-01. Review status: no assertion criteria provided. Collection method: clinical testing. Allele origin: germline. Not counted in ClinVar's aggregate classification.
Comment: This variant is classified as likely benign based on ACMG/AMP sequence variant interpretation guidelines (Richards et al. 2015 PMID: 25741868, with internal and published modifications).

NM_031310.3(PLVAP):c.946C>T (p.Arg316Trp)

Gene: PLVAP (plasmalemma vesicle associated protein; minus strand). Cytogenetic location: 19p13.11.
Variant type: single nucleotide variant.
Coding change: c.946C>T on transcript NM_031310.3 (MANE Select); coding-DNA position 946, C replaced by T.
Protein change: p.Arg316Trp; replaces arginine 316 with tryptophan.
Molecular consequence: missense variant.
Genome position (GRCh38, 1-based): chr19:17,365,519, G>A on the plus strand (C>T on the coding strand, the complement: PLVAP is on the minus strand). VCF-style: chr19-17365519-G-A. GRCh37 (hg19) VCF-style: chr19-17476328-G-A.
Other names: c.946C>T (NM_031310.2); short protein forms R316W.
Identifiers: ClinVar variation 2200867 (VCV002200867.6), dbSNP rs138789000, ClinGen allele CA9293925.